The following is an entry in ClinVar:

NM_001127222.2(CACNA1A):c.5415T>C (p.Phe1805=)

Gene: CACNA1A (calcium voltage-gated channel subunit alpha1 A; minus strand). Cytogenetic location: 19p13.13.
Variant type: single nucleotide variant.
Coding change: c.5415T>C on transcript NM_001127222.2 (MANE Select); coding-DNA position 5415, T replaced by C.
Protein change: p.Phe1805=; no amino-acid change (phenylalanine 1805 retained).
Molecular consequence: synonymous variant.
Genome position (GRCh38, 1-based): chr19:13,230,195, A>G on the plus strand (T>C on the coding strand, the complement: CACNA1A is on the minus strand). VCF-style: chr19-13230195-A-G. GRCh37 (hg19) VCF-style: chr19-13341009-A-G.
Other names: c.5433T>C, p.Phe1811= (NM_000068.4, NM_023035.3); c.5418T>C, p.Phe1806= (NM_001127221.2); c.5424T>C, p.Phe1808= (NM_001174080.2).
Identifiers: ClinVar variation 389312 (VCV000389312.1), dbSNP rs1057523399, ClinGen allele CA16608060.

ClinVar aggregate classification (germline): Likely benign (1 of 4 stars; one submission).

Submission:

GeneDx
Classification: Likely benign. Last evaluated: 2017-05-19. Review status: criteria provided, single submitter. Criteria: GeneDx Variant Classification (06012015). Collection method: clinical testing. Allele origin: germline. Affected: yes.
Comment: This variant is considered likely benign or benign based on one or more of the following criteria: it is a conservative change, it occurs at a poorly conserved position in the protein, it is predicted to be benign by multiple in silico algorithms, and/or has population frequency not consistent with disease.